The following is an entry in ClinVar:

NM_005505.5(SCARB1):c.331G>A (p.Val111Met)

Gene: SCARB1 (scavenger receptor class B member 1; minus strand). Cytogenetic location: 12q24.31.
Variant type: single nucleotide variant.
Coding change: c.331G>A on transcript NM_005505.5 (MANE Select); coding-DNA position 331, G replaced by A.
Protein change: p.Val111Met; replaces valine 111 with methionine.
Molecular consequence: missense variant. On other transcripts: non-coding transcript variant (9).
Genome position (GRCh38, 1-based): chr12:124,815,068, C>T on the plus strand (G>A on the coding strand, the complement: SCARB1 is on the minus strand). VCF-style: chr12-124815068-C-T. GRCh37 (hg19) VCF-style: chr12-125299614-C-T.
Other names: c.331G>A, p.Val111Met (NM_001082959.2, NM_001367981.1, NM_001367983.1 and 6 more transcripts); c.208G>A, p.Val70Met (NM_001367982.1); short protein forms V111M, V70M.
Identifiers: ClinVar variation 2170248 (VCV002170248.4), dbSNP rs5890, ClinGen allele CA6870589.

ClinVar aggregate classification (germline): Uncertain significance (1 of 4 stars; one submission).

Allele frequency attached by ClinVar (database versions not stated): ExAC 0.00017; TOPMed 0.00022; gnomAD 0.00025; gnomAD exomes 0.00042; ESP Exome Variant Server 0.00046.
gnomAD v4.1: 653 of 1,613,996 alleles (0.04%); highest among the groups gnomAD compares: Non-Finnish European, 0.052%; 1 homozygote.

Submission:

Labcorp Genetics (formerly Invitae), Labcorp
Classification: Uncertain significance. Last evaluated: 2025-01-19. Review status: criteria provided, single submitter. Criteria: Invitae Variant Classification Sherloc (09022015). Collection method: clinical testing. Allele origin: germline.
Comment: This sequence change replaces valine, which is neutral and non-polar, with methionine, which is neutral and non-polar, at codon 111 of the SCARB1 protein (p.Val111Met). This variant is present in population databases (rs5890, gnomAD 0.04%). This missense change has been observed in individual(s) with elevated levels of high-density lipoprotein cholesterol (PMID: 29596577). ClinVar contains an entry for this variant (Variation ID: 2170248). Invitae Evidence Modeling of protein sequence and biophysical properties (such as structural, functional, and spatial information, amino acid conservation, physicochemical variation, residue mobility, and thermodynamic stability) indicates that this missense variant is not expected to disrupt SCARB1 protein function with a negative predictive value of 80%. In summary, the available evidence is currently insufficient to determine the role of this variant in disease. Therefore, it has been classified as a Variant of Uncertain Significance.

Literature cited by the submitters: PubMed 29596577.